The following is an entry in ClinVar:

NM_001378418.1(TCF20):c.2210C>G (p.Thr737Ser)

Gene: TCF20 (transcription factor 20; minus strand). Cytogenetic location: 22q13.2.
Variant type: single nucleotide variant.
Coding change: c.2210C>G on transcript NM_001378418.1 (MANE Select); coding-DNA position 2210, C replaced by G.
Protein change: p.Thr737Ser; replaces threonine 737 with serine.
Molecular consequence: missense variant.
Genome position (GRCh38, 1-based): chr22:42,213,096, G>C on the plus strand (C>G on the coding strand, the complement: TCF20 is on the minus strand). VCF-style: chr22-42213096-G-C. GRCh37 (hg19) VCF-style: chr22-42609102-G-C.
Other names: c.2210C>G, p.Thr737Ser (NM_005650.4, NM_181492.3); short protein forms T737S.
Identifiers: ClinVar variation 2503392 (VCV002503392.1), dbSNP rs2518228722, ClinGen allele CA411789161.
Genomic context (GRCh38, chr22:42,213,096, plus strand): 5'-AGCACTTCCTGCAGGAGGCTTGGGAATTTTTCATTTCTACCCTTTCGTTCCCCATGGCCA[G>C]TGAAATCTCCCTTTTCTTGCCCTGTAGGATACTGAGGAAAGCCACTGACATTTCGTGGCA-3'
Protein context (NP_001365347.1, residues 727-747): YPTGQEKGDF[Thr737Ser]GHGERKGRNE

ClinVar aggregate classification (germline): Uncertain significance (1 of 4 stars; one submission).

Submission:

GeneDx
Classification: Uncertain significance. Last evaluated: 2022-11-29. Review status: criteria provided, single submitter. Criteria: GeneDx Variant Classification Process June 2021. Collection method: clinical testing. Allele origin: germline. Affected: yes.
Comment: Not observed at significant frequency in large population cohorts (gnomAD); In silico analysis supports that this missense variant does not alter protein structure/function; Has not been previously published as pathogenic or benign to our knowledge